The following is an entry in ClinVar:

ClinVar aggregate classification (germline): Uncertain significance (1 of 4 stars; one submission).

Conditions:
Cardiovascular phenotype. Identifiers: MedGen CN230736.

Submission:

Ambry Genetics
Classification: Uncertain significance for Cardiovascular phenotype. Last evaluated: 2025-01-10. Review status: criteria provided, single submitter. Criteria: Ambry Variant Classification Scheme 2023. Collection method: clinical testing. Allele origin: germline.
Comment: The p.C62W variant (also known as c.186T>G), located in coding exon 2 of the AKAP9 gene, results from a T to G substitution at nucleotide position 186. The cysteine at codon 62 is replaced by tryptophan, an amino acid with highly dissimilar properties. This amino acid position is conserved. In addition, this alteration is predicted to be tolerated by in silico analysis. Based on the available evidence, the clinical significance of this variant remains unclear.

NM_005751.5(AKAP9):c.186T>G (p.Cys62Trp)

Gene: AKAP9 (A-kinase anchoring protein 9; plus strand). Cytogenetic location: 7q21.2.
Variant type: single nucleotide variant.
Coding change: c.186T>G on transcript NM_005751.5 (MANE Select); coding-DNA position 186, T replaced by G.
Protein change: p.Cys62Trp; replaces cysteine 62 with tryptophan.
Molecular consequence: missense variant.
Genome position (GRCh38, 1-based): chr7:91,973,848, T>G. VCF-style: chr7-91973848-T-G. GRCh37 (hg19) VCF-style: chr7-91603162-T-G.
Other names: c.186T>G, p.Cys62Trp (NM_147185.3); short protein forms C62W.
Identifiers: ClinVar variation 3849367 (VCV003849367.1).